The following is an entry in ClinVar:

ClinVar aggregate classification (germline): Pathogenic (1 of 4 stars; one submission).

Conditions:
Hereditary spastic paraplegia 4. Also called: Spastic paraplegia 4, autosomal dominant; Spastic Paraplegia 4; Familial spastic paraplegia autosomal dominant 2. Identifiers: Orphanet 100985, MedGen C1866855, MONDO:0008438, OMIM 182601.

Submission:

Labcorp Genetics (formerly Invitae), Labcorp
Classification: Pathogenic for Hereditary spastic paraplegia 4. Last evaluated: 2025-01-15. Review status: criteria provided, single submitter. Criteria: Invitae Variant Classification Sherloc (09022015). Collection method: clinical testing. Allele origin: germline.
Comment: This sequence change affects an acceptor splice site in intron 7 of the SPAST gene. It is expected to disrupt RNA splicing. Variants that disrupt the donor or acceptor splice site typically lead to a loss of protein function (PMID: 16199547), and loss-of-function variants in SPAST are known to be pathogenic (PMID: 20932283). This variant is not present in population databases (gnomAD no frequency). Disruption of this splice site has been observed in individuals with hereditary spastic paraplegia (PMID: 29907907, 30476002). Algorithms developed to predict the effect of sequence changes on RNA splicing suggest that this variant may disrupt the consensus splice site. For these reasons, this variant has been classified as Pathogenic.

Literature cited by the submitters: PubMed 16199547; PubMed 20932283; PubMed 29907907; PubMed 30476002.

NM_014946.4(SPAST):c.1099-2A>G

Gene: SPAST (spastin; plus strand). Cytogenetic location: 2p22.3.
Variant type: single nucleotide variant.
Coding change: c.1099-2A>G on transcript NM_014946.4 (MANE Select); the canonical splice acceptor site of the intron before coding-DNA position 1099, A replaced by G.
Molecular consequence: splice acceptor variant.
Genome position (GRCh38, 1-based): chr2:32,126,946, A>G. VCF-style: chr2-32126946-A-G. GRCh37 (hg19) VCF-style: chr2-32352015-A-G.
Other names: c.1003-2A>G (NM_199436.2, NM_001377959.1); c.1096-2A>G (NM_001363823.2); c.1000-2A>G (NM_001363875.2).
Identifiers: ClinVar variation 3642242 (VCV003642242.2).